The following is an entry in ClinVar:

NM_003620.4(PPM1D):c.1431T>A (p.Asn477Lys)

Gene: PPM1D (protein phosphatase, Mg2+/Mn2+ dependent 1D; plus strand). Cytogenetic location: 17q23.2.
Variant type: single nucleotide variant.
Coding change: c.1431T>A on transcript NM_003620.4 (MANE Select); coding-DNA position 1431, T replaced by A.
Protein change: p.Asn477Lys; replaces asparagine 477 with lysine.
Molecular consequence: missense variant.
Genome position (GRCh38, 1-based): chr17:60,663,165, T>A. VCF-style: chr17-60663165-T-A. GRCh37 (hg19) VCF-style: chr17-58740526-T-A.
Other names: short protein forms N477K.
Identifiers: ClinVar variation 3660549 (VCV003660549.2).
Genomic context (GRCh38, chr17:60,663,165, plus strand): 5'-TCGAGAGAATGTCCAAGGTGTAGTCATACCCTCAAAAGATCCAGAACCACTTGAAGAAAA[T>A]TGCGCTAAAGCCCTGACTTTAAGGATACATGATTCTTTGAATAATAGCCTTCCAATTGGC-3'
Protein context (NP_003611.1, residues 467-487): PSKDPEPLEE[Asn477Lys]CAKALTLRIH

ClinVar aggregate classification (germline): Uncertain significance (1 of 4 stars; one submission).

Submission:

Labcorp Genetics (formerly Invitae), Labcorp
Classification: Uncertain significance. Last evaluated: 2025-10-02. Review status: criteria provided, single submitter. Criteria: Invitae Variant Classification Sherloc (09022015). Collection method: clinical testing. Allele origin: germline.
Comment: This sequence change replaces asparagine, which is neutral and polar, with lysine, which is basic and polar, at codon 477 of the PPM1D protein (p.Asn477Lys). This variant is not present in population databases (gnomAD no frequency). This variant has not been reported in the literature in individuals affected with PPM1D-related conditions. ClinVar contains an entry for this variant (Variation ID: 3660549). An algorithm developed to predict the effect of missense changes on protein structure and function (PolyPhen-2) suggests that this variant is likely to be tolerated. In summary, the available evidence is currently insufficient to determine the role of this variant in disease. Therefore, it has been classified as a Variant of Uncertain Significance.